The following is an entry in ClinVar:

NM_020975.6(RET):c.2136+6G>T

Gene: RET (ret proto-oncogene; plus strand). Cytogenetic location: 10q11.21.
Variant type: single nucleotide variant.
Coding change: c.2136+6G>T on transcript NM_020975.6 (MANE Select); 6 bases into the intron after coding-DNA position 2136, G replaced by T.
Molecular consequence: intron variant.
Genome position (GRCh38, 1-based): chr10:43,114,742, G>T. VCF-style: chr10-43114742-G-T. GRCh37 (hg19) VCF-style: chr10-43610190-G-T.
Other names: c.2136+6G>T (NM_020630.7, NM_001406743.1, NM_001406744.1 and 2 more transcripts); c.2001+6G>T (NM_001406765.1, NM_001406763.1); c.1740+6G>T (NM_001406772.1, NM_001406769.1); c.1698+6G>T (NM_001406773.1, NM_001406771.1); c.1239+6G>T (NM_001406782.1, NM_001406780.1, NM_001406779.1 and 1 more transcripts); c.1104+6G>T (NM_001406787.1); c.1119+6G>T (NM_001406785.1); c.2007+6G>T (NM_001406764.1, NM_001406762.1, NM_001406761.1); and 10 more.
Identifiers: ClinVar variation 1930011 (VCV001930011.5), dbSNP rs1387795939, ClinGen allele CA593290002.

ClinVar aggregate classification (germline): Uncertain significance (1 of 4 stars; one submission).

Conditions:
Multiple endocrine neoplasia, type 2 (MEN2). Identifiers: Orphanet 653, MedGen C4048306, MONDO:0019003. Disease mechanism: gain of function.

Allele frequency attached by ClinVar (database versions not stated): gnomAD exomes below 0.00001.
gnomAD v4.1: 1 of 1,605,920 alleles (0.000062%); highest among the groups gnomAD compares: African/African-American, 0.0013%; no homozygotes.

Submission:

Labcorp Genetics (formerly Invitae), Labcorp
Classification: Uncertain significance for Multiple endocrine neoplasia, type 2. Last evaluated: 2022-03-29. Review status: criteria provided, single submitter. Criteria: Invitae Variant Classification Sherloc (09022015). Collection method: clinical testing. Allele origin: germline.
Comment: The frequency data for this variant in the population databases is considered unreliable, as metrics indicate poor data quality at this position in the gnomAD database. In summary, the available evidence is currently insufficient to determine the role of this variant in disease. Therefore, it has been classified as a Variant of Uncertain Significance. Variants that disrupt the consensus splice site are a relatively common cause of aberrant splicing (PMID: 17576681, 9536098). Algorithms developed to predict the effect of sequence changes on RNA splicing suggest that this variant is not likely to affect RNA splicing. This variant has not been reported in the literature in individuals affected with RET-related conditions. This sequence change falls in intron 11 of the RET gene. It does not directly change the encoded amino acid sequence of the RET protein. It affects a nucleotide within the consensus splice site.

Literature cited by the submitters: PubMed 17576681; PubMed 9536098.